The following is an entry in ClinVar:

NM_000361.3(THBD):c.-6_7delinsCTT (p.Met1fs)

Gene: THBD (thrombomodulin; minus strand). Cytogenetic location: 20p11.21.
Variant type: Indel.
Coding change: c.-6_7delinsCTT on transcript NM_000361.3 (MANE Select); 6 bases upstream of the start codon through coding-DNA position 7, GGTAACATGCTTG replaced by CTT.
Protein change: p.Met1fs; shifts the reading frame from methionine 1.
Molecular consequence: frameshift variant, initiator codon variant.
Genome position (GRCh38, 1-based): chr20:23,049,498-23,049,510, CAAGCATGTTACC replaced by AAG on the plus strand (GGTAACATGCTTG replaced by CTT on the coding strand, the reverse complement: THBD is on the minus strand). VCF-style: chr20-23049498-CAAGCATGTTACC-AAG. GRCh37 (hg19) VCF-style: chr20-23030135-CAAGCATGTTACC-AAG.
Other names: short protein forms M1fs.
Identifiers: ClinVar variation 4855805 (VCV004855805.1).

ClinVar aggregate classification (germline): Uncertain significance (1 of 4 stars; one submission).

Conditions:
Atypical hemolytic-uremic syndrome with thrombomodulin anomaly. Also called: HEMOLYTIC UREMIC SYNDROME, ATYPICAL, SUSCEPTIBILITY TO, 6; AHUS, SUSCEPTIBILITY TO, 6. Identifiers: MedGen C2752036, MONDO:0013044, OMIM 612926. Disease mechanism: gain of function.

Submission:

3billion
Classification: Uncertain significance for Atypical hemolytic-uremic syndrome with thrombomodulin anomaly. Last evaluated: 2025-07-28. Review status: criteria provided, single submitter. Criteria: ACMG Guidelines, 2015. Collection method: clinical testing. Allele origin: germline. Affected: yes.
Comment: The variant is not observed in the gnomAD v4.1.0 dataset. Predicted Consequence/Location: Start-lost: reinitiation of translation may occur at a downstream alternate start codon but still result in a loss or disruption of normal protein function as there have been pathogenic variants reported upstream of the alternate start codon. Therefore, this variant is classified as VUS according to the recommendation of ACMG/AMP guideline.